The following is an entry in ClinVar:

NM_000541.5(SAG):c.1054G>A (p.Ala352Thr)

Gene: SAG (S-antigen visual arrestin; plus strand). Cytogenetic location: 2q37.1.
Variant type: single nucleotide variant.
Coding change: c.1054G>A on transcript NM_000541.5 (MANE Select); coding-DNA position 1054, G replaced by A.
Protein change: p.Ala352Thr; replaces alanine 352 with threonine.
Molecular consequence: missense variant.
Genome position (GRCh38, 1-based): chr2:233,342,278, G>A. VCF-style: chr2-233342278-G-A. GRCh37 (hg19) VCF-style: chr2-234250924-G-A.
Other names: short protein forms A352T.
Identifiers: ClinVar variation 896773 (VCV000896773.12), dbSNP rs201307508, ClinGen allele CA2174664.
Genomic context (GRCh38, chr2:233,342,278, plus strand): 5'-ACTTACAATTGTGTGTATGGGTGTTCACACCAATCTTCATTCTTTTTTTCTAGTGAAGTC[G>A]CCACTGAGGTCCCATTCCGCCTCATGCACCCTCAGCCTGAGGACCCAGGTCAGTTATGTC-3'
Protein context (NP_000532.2, residues 342-362): FLGELTSSEV[Ala352Thr]TEVPFRLMHP

ClinVar aggregate classification (germline): Conflicting classifications of pathogenicity. Review status: criteria provided, conflicting classifications (1 of 4 stars). 5 submissions from 4 submitters: Uncertain significance (4); Likely benign (1). Last evaluated 2025-10-29.

Conditions:
Retinitis pigmentosa (RP). Identifiers: Orphanet 791, MedGen C0035334, MeSH D012174, MONDO:0019200, OMIM 268000. Inheritance: Autosomal dominant, autosomal recessive and X linked inheritance.
Inborn genetic diseases. Identifiers: MedGen C0950123, MeSH D030342.
Oguchi disease. Also called: Oguchi's disease. Identifiers: Orphanet 75382, MedGen C1306122, MONDO:0019152.

Allele frequency attached by ClinVar (database versions not stated): gnomAD exomes 0.00005 and 0.00010; ExAC 0.00016; ESP Exome Variant Server 0.00023; gnomAD 0.00027 and 0.00029; TOPMed 0.00031; 1000 Genomes Project 0.00040; 1000 Genomes Project 30x 0.00047.
gnomAD v4.1: 112 of 1,606,874 alleles (0.007%); highest among the groups gnomAD compares: African/African-American, 0.11%; no homozygotes.

Submissions (5):

Labcorp Genetics (formerly Invitae), Labcorp
Classification: Uncertain significance. Last evaluated: 2025-10-29. Review status: criteria provided, single submitter. Criteria: Invitae Variant Classification Sherloc (09022015). Collection method: clinical testing. Allele origin: germline.
Comment: This sequence change replaces alanine, which is neutral and non-polar, with threonine, which is neutral and polar, at codon 352 of the SAG protein (p.Ala352Thr). This variant is present in population databases (rs201307508, gnomAD 0.1%). This variant has not been reported in the literature in individuals affected with SAG-related conditions. ClinVar contains an entry for this variant (Variation ID: 896773). Invitae Evidence Modeling of protein sequence and biophysical properties (such as structural, functional, and spatial information, amino acid conservation, physicochemical variation, residue mobility, and thermodynamic stability) indicates that this missense variant is not expected to disrupt SAG protein function with a negative predictive value of 80%. In summary, the available evidence is currently insufficient to determine the role of this variant in disease. Therefore, it has been classified as a Variant of Uncertain Significance.

Ambry Genetics
Classification: Uncertain significance for Inborn genetic diseases. Last evaluated: 2025-03-26. Review status: criteria provided, single submitter. Criteria: Ambry Variant Classification Scheme 2023. Collection method: clinical testing. Allele origin: germline.

Blueprint Genetics
Classification: Likely benign. Last evaluated: 2024-11-26. Review status: criteria provided, single submitter. Criteria: ACMG Guidelines, 2015. Collection method: clinical testing. Allele origin: germline.

Illumina Laboratory Services, Illumina
Classification: Uncertain significance for Retinitis pigmentosa. Last evaluated: 2018-01-13. Review status: criteria provided, single submitter. Criteria: ICSL Variant Classification Criteria 13 December 2019. Collection method: clinical testing. Allele origin: germline.

Illumina Laboratory Services, Illumina
Classification: Uncertain significance for Oguchi disease-1. Last evaluated: 2018-01-13. Review status: criteria provided, single submitter. Criteria: ICSL Variant Classification Criteria 13 December 2019. Collection method: clinical testing. Allele origin: germline.